The following is an entry in ClinVar:

ClinVar aggregate classification (germline): Uncertain significance (1 of 4 stars; one submission).

Submission:

Labcorp Genetics (formerly Invitae), Labcorp
Classification: Uncertain significance. Last evaluated: 2025-06-29. Review status: criteria provided, single submitter. Criteria: Invitae Variant Classification Sherloc (09022015). Collection method: clinical testing. Allele origin: germline.
Comment: This sequence change replaces histidine, which is basic and polar, with arginine, which is basic and polar, at codon 505 of the GATAD2B protein (p.His505Arg). This variant is not present in population databases (gnomAD no frequency). This variant has not been reported in the literature in individuals affected with GATAD2B-related conditions. Invitae Evidence Modeling of protein sequence and biophysical properties (such as structural, functional, and spatial information, amino acid conservation, physicochemical variation, residue mobility, and thermodynamic stability) has been performed for this missense variant. However, the output from this modeling did not meet the statistical confidence thresholds required to predict the impact of this variant on GATAD2B protein function. In summary, the available evidence is currently insufficient to determine the role of this variant in disease. Therefore, it has been classified as a Variant of Uncertain Significance.

NM_020699.4(GATAD2B):c.1514A>G (p.His505Arg)

Gene: GATAD2B (GATA zinc finger domain containing 2B; minus strand). Cytogenetic location: 1q21.3.
Variant type: single nucleotide variant.
Coding change: c.1514A>G on transcript NM_020699.4 (MANE Select); coding-DNA position 1514, A replaced by G.
Protein change: p.His505Arg; replaces histidine 505 with arginine.
Molecular consequence: missense variant.
Genome position (GRCh38, 1-based): chr1:153,812,038, T>C on the plus strand (A>G on the coding strand, the complement: GATAD2B is on the minus strand). VCF-style: chr1-153812038-T-C. GRCh37 (hg19) VCF-style: chr1-153784514-T-C.
Other names: short protein forms H505R.
Identifiers: ClinVar variation 4779623 (VCV004779623.1).